The following is an entry in ClinVar:

ClinVar aggregate classification (germline): Uncertain significance (1 of 4 stars; one submission).

Conditions:
Alstrom syndrome (ALMS). Identifiers: Orphanet 64, MedGen C0268425, MONDO:0008763, OMIM 203800.

gnomAD v4.1: 1 of 1,613,348 alleles (0.000062%); highest among the groups gnomAD compares: Middle Eastern, 0.017%; no homozygotes.

Submission:

Labcorp Genetics (formerly Invitae), Labcorp
Classification: Uncertain significance for Alstrom syndrome. Last evaluated: 2021-07-18. Review status: criteria provided, single submitter. Criteria: Invitae Variant Classification Sherloc (09022015). Collection method: clinical testing. Allele origin: germline.
Comment: This sequence change replaces glutamine with lysine at codon 692 of the ALMS1 protein (p.Gln692Lys). The glutamine residue is weakly conserved and there is a small physicochemical difference between glutamine and lysine. This variant is not present in population databases (ExAC no frequency). This variant has not been reported in the literature in individuals affected with ALMS1-related conditions. Experimental studies and prediction algorithms are not available or were not evaluated, and the functional significance of this variant is currently unknown. In summary, the available evidence is currently insufficient to determine the role of this variant in disease. Therefore, it has been classified as a Variant of Uncertain Significance.

NM_001378454.1(ALMS1):c.2071C>A (p.Gln691Lys)

Gene: ALMS1 (ALMS1 centrosome and basal body associated protein; plus strand). Cytogenetic location: 2p13.1.
Variant type: single nucleotide variant.
Coding change: c.2071C>A on transcript NM_001378454.1 (MANE Select); coding-DNA position 2071, C replaced by A.
Protein change: p.Gln691Lys; replaces glutamine 691 with lysine.
Molecular consequence: missense variant.
Genome position (GRCh38, 1-based): chr2:73,448,598, C>A. VCF-style: chr2-73448598-C-A. GRCh37 (hg19) VCF-style: chr2-73675725-C-A.
Other names: c.2074C>A, p.Gln692Lys (NM_015120.4); short protein forms Q692K, Q691K.
Identifiers: ClinVar variation 1505017 (VCV001505017.3), dbSNP rs752875933, ClinGen allele CA347266554.
Genomic context (GRCh38, chr2:73,448,598, plus strand): 5'-CATGTAGAGGACCTCCTCTTTTTCTATCGACAGACCTTGCCAGATGGTCATCTAACTGAT[C>A]AGGCTCTGAAAGTCTCAGCTGTGTCTGGACCAGCTGACCAGAAGACTGGGACAGCAACAG-3'
Protein context (NP_001365383.1, residues 681-701): QTLPDGHLTD[Gln691Lys]ALKVSAVSGP